The following is an entry in ClinVar:

NM_000143.4(FH):c.626C>T (p.Pro209Leu)

Gene: FH (fumarate hydratase; minus strand). Cytogenetic location: 1q43.
Variant type: single nucleotide variant.
Coding change: c.626C>T on transcript NM_000143.4 (MANE Select); coding-DNA position 626, C replaced by T.
Protein change: p.Pro209Leu; replaces proline 209 with leucine.
Molecular consequence: missense variant.
Genome position (GRCh38, 1-based): chr1:241,508,715, G>A on the plus strand (C>T on the coding strand, the complement: FH is on the minus strand). VCF-style: chr1-241508715-G-A. GRCh37 (hg19) VCF-style: chr1-241672015-G-A.
Other names: short protein forms P209L.
Identifiers: ClinVar variation 3230455 (VCV003230455.1), dbSNP rs2527327412, ClinGen allele CA345439366.

ClinVar aggregate classification (germline): Uncertain significance (1 of 4 stars; one submission).

Conditions:
Hereditary cancer-predisposing syndrome. Also called: Neoplastic Syndromes, Hereditary; Tumor predisposition; Hereditary neoplastic syndrome; Hereditary Cancer Syndrome. Identifiers: Orphanet 140162, MedGen C0027672, MeSH D009386, MONDO:0015356.

Submission:

Ambry Genetics
Classification: Uncertain significance for Hereditary cancer-predisposing syndrome. Last evaluated: 2023-12-12. Review status: criteria provided, single submitter. Criteria: Ambry Variant Classification Scheme 2023. Collection method: clinical testing. Allele origin: germline.
Comment: The p.P209L variant (also known as c.626C>T), located in coding exon 5 of the FH gene, results from a C to T substitution at nucleotide position 626. The proline at codon 209 is replaced by leucine, an amino acid with similar properties. This amino acid position is highly conserved in available vertebrate species. In addition, this alteration is predicted to be deleterious by in silico analysis. Since supporting evidence is limited at this time, the clinical significance of this alteration remains unclear.